The following is an entry in ClinVar:

NM_033305.3(VPS13A):c.8885G>T (p.Arg2962Leu)

Gene: VPS13A (vacuolar protein sorting 13 homolog A; plus strand). Cytogenetic location: 9q21.2.
Variant type: single nucleotide variant.
Coding change: c.8885G>T on transcript NM_033305.3 (MANE Select); coding-DNA position 8885, G replaced by T.
Protein change: p.Arg2962Leu; replaces arginine 2962 with leucine.
Molecular consequence: missense variant.
Genome position (GRCh38, 1-based): chr9:77,370,556, G>T. VCF-style: chr9-77370556-G-T. GRCh37 (hg19) VCF-style: chr9-79985472-G-T.
Other names: c.8768G>T, p.Arg2923Leu (NM_001018037.2); c.8885G>T, p.Arg2962Leu (NM_001018038.3, NM_015186.4); short protein forms R2923L, R2962L.
Identifiers: ClinVar variation 4690095 (VCV004690095.1).

ClinVar aggregate classification (germline): Uncertain significance (1 of 4 stars; one submission).

gnomAD v4.1: 4 of 1,614,136 alleles (0.00025%); highest among the groups gnomAD compares: Admixed American, 0.0033%; no homozygotes.

Submission:

GeneDx
Classification: Uncertain significance. Last evaluated: 2025-08-01. Review status: criteria provided, single submitter. Criteria: GeneDx Variant Classification Process June 2021. Collection method: clinical testing. Allele origin: germline. Affected: yes.
Comment: Not observed at significant frequency in large population cohorts (gnomAD); In silico analysis supports that this missense variant has a deleterious effect on protein structure/function; Has not been previously published as pathogenic or benign to our knowledge